The following is an entry in ClinVar:

ClinVar aggregate classification (germline): Uncertain significance (1 of 4 stars; one submission).

Conditions:
Marfan syndrome (MFS). Also called: MARFAN SYNDROME, TYPE I; Marfan syndrome type 1; Marfan's syndrome; Marfan syndrome, classic; FBN1-Related Marfan Syndrome. Identifiers: Orphanet 284963, Orphanet 558, MedGen C0024796, MONDO:0007947, OMIM 154700.

Allele frequency attached by ClinVar (database versions not stated): TOPMed below 0.00001.
gnomAD v4.1: 1 of 1,613,084 alleles (0.000062%); highest among the groups gnomAD compares: Non-Finnish European, 0.000085%; no homozygotes.

Submission:

All of Us Research Program, National Institutes of Health
Classification: Uncertain significance for Marfan syndrome. Last evaluated: 2023-12-18. Review status: criteria provided, single submitter. Criteria: ACMG Guidelines, 2015. Collection method: clinical testing. Allele origin: germline. Inheritance: Autosomal dominant inheritance. Observed: 1 variant allele, 1 heterozygote.
Comment: This missense variant replaces threonine with isoleucine at codon 1878 of the FBN1 protein. Computational prediction is inconclusive regarding the impact of this variant on protein structure and function (internally defined REVEL score threshold 0.5 < inconclusive < 0.7, PMID: 27666373). To our knowledge, functional studies have not been reported for this variant. This variant has not been reported in individuals affected with FBN1-related disorders in the literature. This variant has not been identified in the general population by the Genome Aggregation Database (gnomAD). The available evidence is insufficient to determine the role of this variant in disease conclusively. Therefore, this variant is classified as a Variant of Uncertain Significance.

This study involves interpretation of variants in research participants for the purpose of population health screening. Participant phenotype was not available at the time of variant classification. Additional details can be found in publication PMID: 35346344, PMCID: PMC8962531

NM_000138.5(FBN1):c.5633C>T (p.Thr1878Ile)

Gene: FBN1 (fibrillin 1; minus strand). Cytogenetic location: 15q21.1.
Variant type: single nucleotide variant.
Coding change: c.5633C>T on transcript NM_000138.5 (MANE Select); coding-DNA position 5633, C replaced by T.
Protein change: p.Thr1878Ile; replaces threonine 1878 with isoleucine.
Molecular consequence: missense variant.
Genome position (GRCh38, 1-based): chr15:48,448,806, G>A on the plus strand (C>T on the coding strand, the complement: FBN1 is on the minus strand). VCF-style: chr15-48448806-G-A. GRCh37 (hg19) VCF-style: chr15-48741003-G-A.
Other names: c.5633C>T, p.Thr1878Ile (NM_001406716.1); short protein forms T1878I.
Identifiers: ClinVar variation 3075193 (VCV003075193.1), dbSNP rs1875596979, ClinGen allele CA392341833.